The following is an entry in ClinVar:

NM_006494.4(ERF):c.1472A>G (p.Asp491Gly)

Gene: ERF (ETS2 repressor factor; minus strand). Cytogenetic location: 19q13.2.
Variant type: single nucleotide variant.
Coding change: c.1472A>G on transcript NM_006494.4 (MANE Select); coding-DNA position 1472, A replaced by G.
Protein change: p.Asp491Gly; replaces aspartic acid 491 with glycine.
Molecular consequence: missense variant.
Genome position (GRCh38, 1-based): chr19:42,248,640, T>C on the plus strand (A>G on the coding strand, the complement: ERF is on the minus strand). VCF-style: chr19-42248640-T-C. GRCh37 (hg19) VCF-style: chr19-42752792-T-C.
Other names: c.1247A>G, p.Asp416Gly (NM_001301035.2, NM_001308402.2, NM_001312656.2); short protein forms D416G, D491G.
Identifiers: ClinVar variation 4072830 (VCV004072830.1).

ClinVar aggregate classification (germline): Uncertain significance (1 of 4 stars; one submission).

Submission:

GeneDx
Classification: Uncertain significance. Last evaluated: 2025-02-04. Review status: criteria provided, single submitter. Criteria: GeneDx Variant Classification Process June 2021. Collection method: clinical testing. Allele origin: germline. Affected: yes.
Comment: Not observed at significant frequency in large population cohorts (gnomAD); In silico analysis supports that this missense variant has a deleterious effect on protein structure/function; Has not been previously published as pathogenic or benign to our knowledge